The following is an entry in ClinVar:

NM_000503.6(EYA1):c.235A>G (p.Thr79Ala)

Gene: EYA1 (EYA transcriptional coactivator and phosphatase 1; minus strand). Cytogenetic location: 8q13.3.
Variant type: single nucleotide variant.
Coding change: c.235A>G on transcript NM_000503.6 (MANE Select); coding-DNA position 235, A replaced by G.
Protein change: p.Thr79Ala; replaces threonine 79 with alanine.
Molecular consequence: missense variant. On other transcripts: 5 prime UTR variant (1).
Genome position (GRCh38, 1-based): chr8:71,322,236, T>C on the plus strand (A>G on the coding strand, the complement: EYA1 is on the minus strand). VCF-style: chr8-71322236-T-C. GRCh37 (hg19) VCF-style: chr8-72234471-T-C.
Other names: c.235A>G, p.Thr79Ala (NM_001288574.2, NM_001370334.1, NM_001370335.1 and 1 more transcripts); c.-50A>G (NM_001288575.2); c.322A>G, p.Thr108Ala (NM_001370333.1, NM_001370336.1, NM_172059.5); short protein forms T79A, T108A.
Identifiers: ClinVar variation 452501 (VCV000452501.5), dbSNP rs1554550645, ClinGen allele CA371468949.

ClinVar aggregate classification (germline): Uncertain significance. Review status: criteria provided, multiple submitters, no conflicts (2 of 4 stars). 4 submissions from 4 submitters: Uncertain significance (4). Last evaluated 2026-09-10.

Conditions:
Melnick-Fraser syndrome (BOR). Also called: Branchio-oto-renal syndrome; Branchiootorenal Syndrome (BORS); Branchiootorenal syndrome. Identifiers: Orphanet 107, MedGen C0265234, MONDO:0007029.
Branchiootic syndrome 1 (BOS1). Also called: BO SYNDROME 1; BRANCHIOOTIC DYSPLASIA. Identifiers: MedGen C1865143, MONDO:0011258, OMIM 602588.
Branchiootorenal syndrome 1. Also called: Branchio-Oto-Renal Syndrome 1. Identifiers: Orphanet 107, MedGen C4551702, MONDO:0007236, OMIM 113650.
Otofaciocervical syndrome 1 (OTFCS). Identifiers: MedGen C3714941, MONDO:0024532, OMIM 166780.
Inborn genetic diseases. Identifiers: MedGen C0950123, MeSH D030342.

Allele frequency attached by ClinVar (database versions not stated): gnomAD exomes 0.00001.
gnomAD v4.1: 12 of 1,613,880 alleles (0.00074%); highest among the groups gnomAD compares: Non-Finnish European, 0.00085%; no homozygotes.

Submissions (4):

Ambry Genetics
Classification: Uncertain significance for Inborn genetic diseases. Last evaluated: 2026-09-10. Review status: criteria provided, single submitter. Criteria: Ambry Variant Classification Scheme 2023. Collection method: clinical testing. Allele origin: germline.

Labcorp Genetics (formerly Invitae), Labcorp
Classification: Uncertain significance for Melnick-Fraser syndrome. Last evaluated: 2025-08-05. Review status: criteria provided, single submitter. Criteria: Invitae Variant Classification Sherloc (09022015). Collection method: clinical testing. Allele origin: germline.
Comment: This sequence change replaces threonine, which is neutral and polar, with alanine, which is neutral and non-polar, at codon 79 of the EYA1 protein (p.Thr79Ala). This variant is not present in population databases (gnomAD no frequency). This variant has not been reported in the literature in individuals affected with EYA1-related conditions. ClinVar contains an entry for this variant (Variation ID: 452501). Invitae Evidence Modeling of protein sequence and biophysical properties (such as structural, functional, and spatial information, amino acid conservation, physicochemical variation, residue mobility, and thermodynamic stability) indicates that this missense variant is not expected to disrupt EYA1 protein function with a negative predictive value of 95%. In summary, the available evidence is currently insufficient to determine the role of this variant in disease. Therefore, it has been classified as a Variant of Uncertain Significance.

Fulgent Genetics
Classification: Uncertain significance for Branchiootorenal syndrome 1; Otofaciocervical syndrome 1; Branchiootic syndrome 1. Last evaluated: 2021-11-03. Review status: criteria provided, single submitter. Criteria: ACMG Guidelines, 2015. Collection method: clinical testing. Allele origin: unknown.

GeneDx
Classification: Uncertain significance. Last evaluated: 2017-10-09. Review status: criteria provided, single submitter. Criteria: GeneDx Variant Classification (06012015). Collection method: clinical testing. Allele origin: germline. Affected: yes.
Comment: The T79A variant in the EYA1 gene has not been reported previously as a pathogenic variant, nor as a benign variant, to our knowledge. The T79A variant is not observed in large population cohorts (Lek et al., 2016). The T79A variant is a non-conservative amino acid substitution, which is likely to impact secondary protein structure as these residues differ in polarity, charge, size and/or other properties. This substitution occurs at a position that is not conserved, and in silico analysis is inconsistent in its predictions as to whether or not the variant is damaging to the protein structure/function. We interpret T79A as a variant of uncertain significance.